The following is an entry in ClinVar:

NM_007363.5(NONO):c.921C>G (p.His307Gln)

Gene: NONO (non-POU domain containing octamer binding; plus strand). Cytogenetic location: Xq13.1.
Variant type: single nucleotide variant.
Coding change: c.921C>G on transcript NM_007363.5 (MANE Select); coding-DNA position 921, C replaced by G.
Protein change: p.His307Gln; replaces histidine 307 with glutamine.
Molecular consequence: missense variant.
Genome position (GRCh38, 1-based): chrX:71,297,025, C>G. VCF-style: chrX-71297025-C-G. GRCh37 (hg19) VCF-style: chrX-70516875-C-G.
Other names: c.921C>G, p.His307Gln (NM_001145408.2, NM_001145409.2); c.654C>G, p.His218Gln (NM_001145410.2); short protein forms H218Q, H307Q.
Identifiers: ClinVar variation 2662016 (VCV002662016.2), dbSNP rs2031466526, ClinGen allele CA413545250.

ClinVar aggregate classification (germline): Uncertain significance (1 of 4 stars; one submission).

Submission:

GeneDx
Classification: Uncertain significance. Last evaluated: 2025-09-30. Review status: criteria provided, single submitter. Criteria: GeneDx Variant Classification Process June 2021. Collection method: clinical testing. Allele origin: germline.
Comment: Not observed at significant frequency in large population cohorts (gnomAD); In silico analysis supports that this missense variant has a deleterious effect on protein structure/function; Has not been previously published as pathogenic or benign to our knowledge